The following is an entry in ClinVar:

ClinVar aggregate classification (germline): Uncertain significance. Review status: criteria provided, multiple submitters, no conflicts (2 of 4 stars). 2 submissions from 2 submitters: Uncertain significance (2). Last evaluated 2024-06-21.

Conditions:
Cardiovascular phenotype. Identifiers: MedGen CN230736.
RASopathy. Also called: Noonan spectrum disorder; rasopathies. Identifiers: Orphanet 536391, MedGen C5555857, MONDO:0021060.

Allele frequency attached by ClinVar (database versions not stated): gnomAD exomes below 0.00001; TOPMed 0.00001.
gnomAD v4.1: 1 of 1,613,934 alleles (0.000062%); highest among the groups gnomAD compares: Non-Finnish European, 0.000085%; no homozygotes.

Submissions (2):

Labcorp Genetics (formerly Invitae), Labcorp
Classification: Uncertain significance for RASopathy. Last evaluated: 2024-06-21. Review status: criteria provided, single submitter. Criteria: Invitae Variant Classification Sherloc (09022015). Collection method: clinical testing. Allele origin: germline.
Comment: This sequence change replaces histidine, which is basic and polar, with arginine, which is basic and polar, at codon 1272 of the SOS1 protein (p.His1272Arg). This variant is not present in population databases (gnomAD no frequency). This variant has not been reported in the literature in individuals affected with SOS1-related conditions. ClinVar contains an entry for this variant (Variation ID: 1735194). Advanced modeling of protein sequence and biophysical properties (such as structural, functional, and spatial information, amino acid conservation, physicochemical variation, residue mobility, and thermodynamic stability) performed at Invitae indicates that this missense variant is not expected to disrupt SOS1 protein function with a negative predictive value of 80%. In summary, the available evidence is currently insufficient to determine the role of this variant in disease. Therefore, it has been classified as a Variant of Uncertain Significance.

Ambry Genetics
Classification: Uncertain significance for Cardiovascular phenotype. Last evaluated: 2022-03-09. Review status: criteria provided, single submitter. Criteria: Ambry Variant Classification Scheme 2023. Collection method: clinical testing. Allele origin: germline.
Comment: The p.H1272R variant (also known as c.3815A>G), located in coding exon 23 of the SOS1 gene, results from an A to G substitution at nucleotide position 3815. The histidine at codon 1272 is replaced by arginine, an amino acid with highly similar properties. This amino acid position is conserved. In addition, this alteration is predicted to be tolerated by in silico analysis. Since supporting evidence is limited at this time, the clinical significance of this alteration remains unclear.

NM_005633.4(SOS1):c.3815A>G (p.His1272Arg)

Gene: SOS1 (SOS Ras/Rac guanine nucleotide exchange factor 1; minus strand). Cytogenetic location: 2p22.1.
Variant type: single nucleotide variant.
Coding change: c.3815A>G on transcript NM_005633.4 (MANE Select); coding-DNA position 3815, A replaced by G.
Protein change: p.His1272Arg; replaces histidine 1272 with arginine.
Molecular consequence: missense variant.
Genome position (GRCh38, 1-based): chr2:38,986,011, T>C on the plus strand (A>G on the coding strand, the complement: SOS1 is on the minus strand). VCF-style: chr2-38986011-T-C. GRCh37 (hg19) VCF-style: chr2-39213152-T-C.
Other names: c.3794A>G, p.His1265Arg (NM_001382394.1); c.3770A>G, p.His1257Arg (NM_001382395.1); short protein forms H1272R, H1257R, H1265R.
Identifiers: ClinVar variation 1735194 (VCV001735194.4), dbSNP rs1372284070, ClinGen allele CA346362260.